The following is an entry in ClinVar:

ClinVar aggregate classification (germline): Pathogenic (1 of 4 stars; one submission).

Conditions:
Spastic paraplegia. Identifiers: MedGen C0037772, HP:0001258.

Submission:

Labcorp Genetics (formerly Invitae), Labcorp
Classification: Pathogenic for Spastic paraplegia. Last evaluated: 2023-07-19. Review status: criteria provided, single submitter. Criteria: Invitae Variant Classification Sherloc (09022015). Collection method: clinical testing. Allele origin: germline.
Comment: This variant has not been reported in the literature in individuals affected with SACS-related conditions. This variant is not present in population databases (gnomAD no frequency). This sequence change creates a premature translational stop signal (p.Pro3652Hisfs*22) in the SACS gene. While this is not anticipated to result in nonsense mediated decay, it is expected to disrupt the last 928 amino acid(s) of the SACS protein. For these reasons, this variant has been classified as Pathogenic. This variant disrupts a region of the SACS protein in which other variant(s) (p.Asn4549Asp) have been determined to be pathogenic (PMID: 15156359, 21507954). This suggests that this is a clinically significant region of the protein, and that variants that disrupt it are likely to be disease-causing.

Literature cited by the submitters: PubMed 15156359; PubMed 21507954.

NM_014363.6(SACS):c.10955del (p.Pro3652fs)

Gene: SACS (sacsin molecular chaperone; minus strand). Cytogenetic location: 13q12.12.
Variant type: Deletion.
Coding change: c.10955del on transcript NM_014363.6 (MANE Select); coding-DNA position 10955, one base deleted (C; older notation c.10955delC).
Protein change: p.Pro3652fs; shifts the reading frame from proline 3652.
Molecular consequence: frameshift variant.
Genome position (GRCh38, 1-based): chr13:23,332,921, G deleted on the plus strand (C on the coding strand, the reverse complement: SACS is on the minus strand); the first of 2 consecutive G bases (chr13:23,332,921-23,332,922); deleting either gives the same sequence. VCF-style (leftmost placement, unchanged base first): chr13-23332920-TG-T. GRCh37 (hg19) VCF-style: chr13-23907059-TG-T.
Other names: c.10514del, p.Pro3505fs (NM_001278055.2); short protein forms P3505fs, P3652fs.
Identifiers: ClinVar variation 2744912 (VCV002744912.3), dbSNP rs2542177441, ClinGen allele CA2697551683.